The following is an entry in ClinVar:

ClinVar aggregate classification (germline): Pathogenic/Likely pathogenic. Review status: criteria provided, multiple submitters, no conflicts (2 of 4 stars). 16 submissions from 16 submitters: Pathogenic (11); Likely pathogenic (3). 2 of the submissions do not count toward it. Last evaluated 2026-05-07.

Conditions:
ACADS-related disorder. Also called: ACADS-related condition.
Deficiency of butyryl-CoA dehydrogenase (ACADSD). Also called: ACADS DEFICIENCY; Short-Chain Acyl-CoA Dehydrogenase Deficiency; SCAD Deficiency; SCADH DEFICIENCY; SCAD DEFICIENCY, MILD; ACYL-CoA DEHYDROGENASE, SHORT-CHAIN, DEFICIENCY OF. Identifiers: Orphanet 26792, MedGen C0342783, MONDO:0008722, OMIM 201470. Disease mechanism: May be benign.

Allele frequency attached by ClinVar (database versions not stated): gnomAD exomes 0.00007 and 0.00010; gnomAD 0.00008; TOPMed 0.00012; ExAC 0.00014; 1000 Genomes Project 30x 0.00016; 1000 Genomes Project 0.00020.

Submissions 1 to 12 of 16:

Women's Health and Genetics/Laboratory Corporation of America, LabCorp
Classification: Pathogenic for Deficiency of butyryl-CoA dehydrogenase. Last evaluated: 2026-05-07. Review status: criteria provided, single submitter. Criteria: LabCorp Variant Classification Summary - May 2015. Collection method: clinical testing. Allele origin: germline.
Comment: Variant summary: ACADS c.1147C>T (p.Arg383Cys) results in a non-conservative amino acid change in the encoded protein sequence. Algorithms developed to predict the effect of missense changes on protein structure and function all suggest that this variant is likely to be disruptive. The variant allele was found at a frequency of 9.7e-05 in 248118 control chromosomes. This frequency is not significantly higher than estimated for disease-causing variants in ACADS, allowing no conclusion about variant significance. c.1147C>T has been observed in homozygous and compound heterozygous individual(s) affected with Deficiency of butyryl-CoA dehydrogenase (e.g. Kilic_2017, vanMaldegem_2006, Internal data). These data indicate that the variant is likely to be associated with disease. Internally validated machine learning-based Evidence Modeling of protein sequence and biophysical properties (such as structural, functional, and spatial information, amino acid conservation, physicochemical variation, residue mobility, and thermodynamic stability) indicates that this missense variant is expected to disrupt protein function with a positive predictive value of at least 95%. At least one publication reports experimental evidence evaluating an impact on protein function. The most pronounced variant effect results in a significant reduction in enzyme activity (e.g. Gregersen_1998). The following publications have been ascertained in the context of this evaluation (PMID: 30035407, 16926354, 9499414). ClinVar contains an entry for this variant (Variation ID: 3829). Based on the evidence outlined above, the variant was classified as pathogenic.

Mayo Clinic Laboratories, Mayo Clinic
Classification: Pathogenic. Last evaluated: 2025-08-07. Review status: criteria provided, single submitter. Criteria: ACMG Guidelines, 2015. Collection method: clinical testing. Allele origin: germline. Observed: 1 variant allele.
Comment: PP3_strong, PM2_supporting, PS3

Labcorp Genetics (formerly Invitae), Labcorp
Classification: Pathogenic for Deficiency of butyryl-CoA dehydrogenase. Last evaluated: 2025-07-09. Review status: criteria provided, single submitter. Criteria: Invitae Variant Classification Sherloc (09022015). Collection method: clinical testing. Allele origin: germline.
Comment: This sequence change replaces arginine, which is basic and polar, with cysteine, which is neutral and slightly polar, at codon 383 of the ACADS protein (p.Arg383Cys). This variant is present in population databases (rs28940872, gnomAD 0.01%). This missense change has been observed in individuals with short-chain acyl-CoA dehydrogenase deficiency (PMID: 11134486, 16926354, 22241096, 30035407, 31813752; internal data). This variant is also known as R359C. ClinVar contains an entry for this variant (Variation ID: 3829). Invitae Evidence Modeling of protein sequence and biophysical properties (such as structural, functional, and spatial information, amino acid conservation, physicochemical variation, residue mobility, and thermodynamic stability) indicates that this missense variant is expected to disrupt ACADS protein function with a positive predictive value of 95%. Experimental studies have shown that this missense change affects ACADS function (PMID: 9499414, 14506246, 18523805). For these reasons, this variant has been classified as Pathogenic.

GeneDx
Classification: Pathogenic. Last evaluated: 2025-06-03. Review status: criteria provided, single submitter. Criteria: GeneDx Variant Classification Process June 2021. Collection method: clinical testing. Allele origin: germline. Affected: yes.
Comment: Published functional studies demonstrate severely impaired folding and higher degradation rate compared to wildtype, supporting a damaging effect (PMID: 14506246); In silico analysis supports that this missense variant has a deleterious effect on protein structure/function; This variant is associated with the following publications: (PMID: 25670805, 26990548, 36964972, 9499414, 28532786, 18523805, 22241096, 16926354, 11134486, 23798014, 30035407, 31980526, 14506246, 34426522, 31589614, 31813752, 33726816, 32778825)

First Genomix Gene Laboratory, Genetic Diagnostics Department
Classification: Pathogenic for Deficiency of butyryl-CoA dehydrogenase. Last evaluated: 2025-03-18. Review status: criteria provided, single submitter. Criteria: ACMG Guidelines, 2015. Collection method: clinical testing. Allele origin: germline. Inheritance: Autosomal recessive inheritance. Affected: no. Observed: 1 variant allele.

Genomic Medicine Center of Excellence, King Faisal Specialist Hospital and Research Centre
Classification: Pathogenic for Deficiency of butyryl-CoA dehydrogenase. Last evaluated: 2024-12-19. Review status: criteria provided, single submitter. Criteria: ACMG Guidelines, 2015. Collection method: clinical testing. Allele origin: germline.

Dasa
Classification: Pathogenic. Last evaluated: 2024-12-09. Review status: criteria provided, single submitter. Criteria: DASA Assertion Criteria. Collection method: clinical testing. Allele origin: germline.
Comment: NM_000017.4(ACADS):c.1147C>T (p.Arg383Cys) is a missense variant that results in the substitution of arginine with cysteine. This variant has been observed in affected individuals with related phenotype in a genotype context consistent with recessive disease. Functional evidence supports a deleterious effect on the gene or gene product. Multiple computational predictions support a deleterious effect on the gene or gene product. The variant is present at low frequency in population datasets. Based on the available data, this variant is classified as pathogenic.

Blueprint Genetics
Classification: Pathogenic for ACADS-related disorders. Last evaluated: 2024-10-28. Review status: criteria provided, single submitter. Criteria: ACMG Guidelines, 2015. Collection method: clinical testing. Allele origin: germline. Affected: yes. Observed: 5 variant alleles.

3billion
Classification: Likely pathogenic for Deficiency of butyryl-CoA dehydrogenase. Last evaluated: 2024-06-19. Review status: criteria provided, single submitter. Criteria: ACMG Guidelines, 2015. Collection method: clinical testing. Allele origin: germline. Affected: yes.
Comment: The variant is observed at an extremely low frequency in the gnomAD v4.0.0 dataset (total allele frequency: 0.008%). Predicted Consequence/Location: Missense variant In silico tool predictions suggest damaging effect of the variant on gene or gene product [REVEL: 0.95 (>=0.6, sensitivity 0.68 and specificity 0.92)]. The same nucleotide change resulting in the same amino acid change has been previously reported as pathogenic/likely pathogenic with strong evidence (ClinVar ID: VCV000003829 /PMID: 9499414). A different missense change at the same codon (p.Arg383His) has been reported to be associated with ACADS-related disorder (PMID: 27938594). However the evidence of pathogenicity is insufficient at this time. Therefore, this variant is classified as Likely pathogenic according to the recommendation of ACMG/AMP guideline.

Fulgent Genetics
Classification: Pathogenic for Deficiency of butyryl-CoA dehydrogenase. Last evaluated: 2024-06-01. Review status: criteria provided, single submitter. Criteria: ACMG Guidelines, 2015. Collection method: clinical testing. Allele origin: germline.

Neuberg Centre For Genomic Medicine, NCGM
Classification: Pathogenic for Deficiency of butyryl-CoA dehydrogenase. Last evaluated: 2023-02-14. Review status: criteria provided, single submitter. Criteria: ACMG Guidelines, 2015. Collection method: clinical testing. Allele origin: germline. Inheritance: Autosomal recessive inheritance. Affected: yes.

Genome-Nilou Lab
Classification: Likely pathogenic for Deficiency of butyryl-CoA dehydrogenase. Last evaluated: 2021-11-07. Review status: criteria provided, single submitter. Criteria: ACMG Guidelines, 2015. Collection method: clinical testing. Allele origin: germline. Affected: no.

NM_000017.4(ACADS):c.1147C>T (p.Arg383Cys)

Gene: ACADS (acyl-CoA dehydrogenase short chain; plus strand). Cytogenetic location: 12q24.31.
Variant type: single nucleotide variant.
Coding change: c.1147C>T on transcript NM_000017.4 (MANE Select); coding-DNA position 1147, C replaced by T.
Protein change: p.Arg383Cys; replaces arginine 383 with cysteine.
Molecular consequence: missense variant.
Genome position (GRCh38, 1-based): chr12:120,739,356, C>T. VCF-style: chr12-120739356-C-T. GRCh37 (hg19) VCF-style: chr12-121177159-C-T.
Other names: R359C; p.R383C:CGC>TGC; c.1135C>T, p.Arg379Cys (NM_001302554.2); short protein forms R383C, R379C.
Identifiers: ClinVar variation 3829 (VCV000003829.35), dbSNP rs28940872, ClinGen allele CA252882.
Genomic context (GRCh38, chr12:120,739,356, plus strand): 5'-GCCATCCAGATCCTGGGCGGCATGGGCTACGTGACAGAGATGCCGGCAGAGCGGCACTAC[C>T]GCGACGCCCGCATCACTGAGATCTACGAGGGCACCAGCGAAATCCAGCGGCTGGTGATCG-3'
Protein context (NP_000008.1, residues 373-393): VTEMPAERHY[Arg383Cys]DARITEIYEG